The following is an entry in ClinVar:

ClinVar aggregate classification (germline): Uncertain significance (1 of 4 stars; one submission).

Conditions:
Cowden syndrome (CS). Also called: Cowden's disease; Cowden's syndrome; Cowden disease. Identifiers: Orphanet 201, MedGen C0018553, MONDO:0016063. Disease mechanism: gain of function.

Submission:

Labcorp Genetics (formerly Invitae), Labcorp
Classification: Uncertain significance for Cowden syndrome. Last evaluated: 2023-09-19. Review status: criteria provided, single submitter. Criteria: Invitae Variant Classification Sherloc (09022015). Collection method: clinical testing. Allele origin: germline.
Comment: This variant has not been reported in the literature in individuals affected with PIK3CA-related conditions. This sequence change falls in intron 7 of the PIK3CA gene. It does not directly change the encoded amino acid sequence of the PIK3CA protein. It affects a nucleotide within the consensus splice site. This variant is present in population databases (no rsID available, gnomAD 0.0009%). ClinVar contains an entry for this variant (Variation ID: 2073267). Variants that disrupt the consensus splice site are a relatively common cause of aberrant splicing (PMID: 17576681, 9536098). Algorithms developed to predict the effect of sequence changes on RNA splicing suggest that this variant is not likely to affect RNA splicing. In summary, the available evidence is currently insufficient to determine the role of this variant in disease. Therefore, it has been classified as a Variant of Uncertain Significance.

Literature cited by the submitters: PubMed 17576681; PubMed 9536098.

NM_006218.4(PIK3CA):c.1251+3A>G

Gene: PIK3CA (phosphatidylinositol-4,5-bisphosphate 3-kinase catalytic subunit alpha; plus strand). Cytogenetic location: 3q26.32.
Variant type: single nucleotide variant.
Coding change: c.1251+3A>G on transcript NM_006218.4 (MANE Select); 3 bases into the intron after coding-DNA position 1251, A replaced by G.
Molecular consequence: intron variant.
Genome position (GRCh38, 1-based): chr3:179,209,703, A>G. VCF-style: chr3-179209703-A-G. GRCh37 (hg19) VCF-style: chr3-178927491-A-G.
Identifiers: ClinVar variation 2073267 (VCV002073267.4), dbSNP rs1486489037, ClinGen allele CA547860085.